The following is an entry in ClinVar:

ClinVar aggregate classification (germline): Uncertain significance (1 of 4 stars; one submission).

Conditions:
Hereditary cancer-predisposing syndrome. Also called: Neoplastic Syndromes, Hereditary; Tumor predisposition; Hereditary Cancer Syndrome; Hereditary neoplastic syndrome. Identifiers: Orphanet 140162, MedGen C0027672, MeSH D009386, MONDO:0015356.

Submission:

Ambry Genetics
Classification: Uncertain significance for Hereditary cancer-predisposing syndrome. Last evaluated: 2024-07-31. Review status: criteria provided, single submitter. Criteria: Ambry Variant Classification Scheme 2023. Collection method: clinical testing. Allele origin: germline.
Comment: The p.D294H variant (also known as c.880G>C), located in coding exon 7 of the POLD1 gene, results from a G to C substitution at nucleotide position 880. The aspartic acid at codon 294 is replaced by histidine, an amino acid with similar properties. This amino acid position is conserved. In addition, this alteration is predicted to be tolerated by in silico analysis. Since supporting evidence is limited at this time, the clinical significance of this alteration remains unclear.

NM_002691.4(POLD1):c.880G>C (p.Asp294His)

Gene: POLD1 (DNA polymerase delta 1, catalytic subunit; plus strand). Cytogenetic location: 19q13.33.
Variant type: single nucleotide variant.
Coding change: c.880G>C on transcript NM_002691.4 (MANE Select); coding-DNA position 880, G replaced by C.
Protein change: p.Asp294His; replaces aspartic acid 294 with histidine.
Molecular consequence: missense variant. On other transcripts: non-coding transcript variant (1).
Genome position (GRCh38, 1-based): chr19:50,402,651, G>C. VCF-style: chr19-50402651-G-C. GRCh37 (hg19) VCF-style: chr19-50905908-G-C.
Other names: c.880G>C, p.Asp294His (NM_001256849.1, NM_001308632.1); short protein forms D294H.
Identifiers: ClinVar variation 1764756 (VCV001764756.3), dbSNP rs2122256829, ClinGen allele CA406976850.